The following is an entry in ClinVar:

ClinVar aggregate classification (germline): Uncertain significance (1 of 4 stars; one submission).

Submission:

Women's Health and Genetics/Laboratory Corporation of America, LabCorp
Classification: Uncertain significance. Last evaluated: 2026-05-20. Review status: criteria provided, single submitter. Criteria: LabCorp Variant Classification Summary - May 2015. Collection method: clinical testing. Allele origin: germline.
Comment: Variant summary: CACNA1G c.6999_7020dup22 (p.Lys2341GlufsX17) results in a premature termination codon, predicted to cause a truncation of the encoded protein or absence of the protein due to nonsense mediated decay, however current evidence is not sufficient to establish loss of function as a mechanism for disease. The variant was absent in 247174 control chromosomes. The available data on variant occurrences in the general population are insufficient to allow any conclusion about variant significance. To our knowledge, no occurrence of c.6999_7020dup22 in individuals affected with CACNA1G-related conditions and no experimental evidence demonstrating its impact on protein function have been reported. No submitters have cited clinical-significance assessments for this variant to ClinVar. Based on the evidence outlined above, the variant was classified as uncertain significance.

NM_018896.5(CACNA1G):c.6999_7020dup (p.Lys2341fs)

Gene: CACNA1G (calcium voltage-gated channel subunit alpha1 G; plus strand). Cytogenetic location: 17q21.33.
Variant type: Duplication.
Coding change: c.6999_7020dup on transcript NM_018896.5 (MANE Select); coding-DNA positions 6999 to 7020, 22 bases duplicated (GAGGGCTCCGTCCAGCGACTCC).
Protein change: p.Lys2341fs; shifts the reading frame from lysine 2341.
Molecular consequence: frameshift variant. On other transcripts: non-coding transcript variant (5).
Genome position (GRCh38, 1-based): chr17:50,626,616-50,626,637, GAGGGCTCCGTCCAGCGACTCC duplicated. VCF-style (leftmost placement, unchanged base first): chr17-50626615-G-GGAGGGCTCCGTCCAGCGACTCC. GRCh37 (hg19) VCF-style: chr17-48703976-G-GGAGGGCTCCGTCCAGCGACTCC.
Other names: c.6786_6807dup, p.Lys2270fs (NM_198383.3); c.6720_6741dup, p.Lys2248fs (NM_198384.3); c.6864_6885dup, p.Lys2296fs (NM_198385.3); c.6666_6687dup, p.Lys2230fs (NM_198386.3); c.6618_6639dup, p.Lys2214fs (NM_198387.3, NM_001256329.2); c.6999_7020dup22 (NM_018896.5); c.6597_6618dup, p.Lys2207fs (NM_198388.3); c.6897_6918dup, p.Lys2307fs (NM_198396.3); and 19 more; short protein forms K2135fs, K2158fs, K2169fs, K2191fs, K2196fs, K2203fs, K2207fs, K2210fs.
Identifiers: ClinVar variation 4853763 (VCV004853763.1).